The following is an entry in ClinVar:

NM_001277115.2(DNAH11):c.4471C>T (p.Gln1491Ter)

Gene: DNAH11 (dynein axonemal heavy chain 11; plus strand). Cytogenetic location: 7p15.3.
Variant type: single nucleotide variant.
Coding change: c.4471C>T on transcript NM_001277115.2 (MANE Select); coding-DNA position 4471, C replaced by T.
Protein change: p.Gln1491Ter; replaces glutamine 1491 with a stop codon.
Molecular consequence: nonsense.
Genome position (GRCh38, 1-based): chr7:21,620,049, C>T. VCF-style: chr7-21620049-C-T. GRCh37 (hg19) VCF-style: chr7-21659667-C-T.
Other names: c.4486C>T, p.Gln1496Ter (NM_003777.3); short protein forms Q1491*, Q1496*.
Identifiers: ClinVar variation 2788819 (VCV002788819.3), dbSNP rs2534711439, ClinGen allele CA366953110.

ClinVar aggregate classification (germline): Pathogenic (1 of 4 stars; one submission).

Conditions:
Primary ciliary dyskinesia. Also called: Ciliary dyskinesia. Identifiers: Orphanet 244, MedGen C0008780, MONDO:0016575, HP:0012265.

Submission:

Labcorp Genetics (formerly Invitae), Labcorp
Classification: Pathogenic for Primary ciliary dyskinesia. Last evaluated: 2024-05-23. Review status: criteria provided, single submitter. Criteria: Invitae Variant Classification Sherloc (09022015). Collection method: clinical testing. Allele origin: germline.
Comment: This sequence change creates a premature translational stop signal (p.Gln1491*) in the DNAH11 gene. It is expected to result in an absent or disrupted protein product. Loss-of-function variants in DNAH11 are known to be pathogenic (PMID: 18022865, 20513915, 22184204). This variant is not present in population databases (gnomAD no frequency). This variant has not been reported in the literature in individuals affected with DNAH11-related conditions. Algorithms developed to predict the effect of sequence changes on RNA splicing suggest that this variant may disrupt the consensus splice site. For these reasons, this variant has been classified as Pathogenic.

Literature cited by the submitters: PubMed 18022865; PubMed 20513915; PubMed 22184204.